The following is an entry in ClinVar:

NM_002439.5(MSH3):c.1195G>A (p.Glu399Lys)

Gene: MSH3 (mutS homolog 3; plus strand). Cytogenetic location: 5q14.1.
Variant type: single nucleotide variant.
Coding change: c.1195G>A on transcript NM_002439.5 (MANE Select); coding-DNA position 1195, G replaced by A.
Protein change: p.Glu399Lys; replaces glutamic acid 399 with lysine.
Molecular consequence: missense variant.
Genome position (GRCh38, 1-based): chr5:80,678,948, G>A. VCF-style: chr5-80678948-G-A. GRCh37 (hg19) VCF-style: chr5-79974767-G-A.
Other names: c.1195G>A (NM_002439.4); short protein forms E399K.
Identifiers: ClinVar variation 1409817 (VCV001409817.13), dbSNP rs200365261, ClinGen allele CA121297205.

ClinVar aggregate classification (germline): Uncertain significance. Review status: criteria provided, multiple submitters, no conflicts (2 of 4 stars). 4 submissions from 4 submitters: Uncertain significance (4). Last evaluated 2025-07-01.

Conditions:
Endometrial carcinoma. Also called: Endometrial carcinoma, somatic. Identifiers: MedGen C0476089, MONDO:0002447, OMIM 608089, HP:0012114.
Hereditary cancer-predisposing syndrome. Also called: Hereditary Cancer Syndrome; Tumor predisposition; Hereditary neoplastic syndrome; Neoplastic Syndromes, Hereditary. Identifiers: Orphanet 140162, MedGen C0027672, MeSH D009386, MONDO:0015356.

Allele frequency attached by ClinVar (database versions not stated): gnomAD exomes below 0.00001; gnomAD 0.00001; TOPMed 0.00001; 1000 Genomes Project 30x 0.00016; 1000 Genomes Project 0.00020.

Submissions (4):

Labcorp Genetics (formerly Invitae), Labcorp
Classification: Uncertain significance. Last evaluated: 2025-07-01. Review status: criteria provided, single submitter. Criteria: Invitae Variant Classification Sherloc (09022015). Collection method: clinical testing. Allele origin: germline.
Comment: This sequence change replaces glutamic acid, which is acidic and polar, with lysine, which is basic and polar, at codon 399 of the MSH3 protein (p.Glu399Lys). This variant is not present in population databases (gnomAD no frequency). This variant has not been reported in the literature in individuals affected with MSH3-related conditions. ClinVar contains an entry for this variant (Variation ID: 1409817). An algorithm developed to predict the effect of missense changes on protein structure and function (PolyPhen-2) suggests that this variant is likely to be disruptive. In summary, the available evidence is currently insufficient to determine the role of this variant in disease. Therefore, it has been classified as a Variant of Uncertain Significance.

Ambry Genetics
Classification: Uncertain significance for Hereditary cancer-predisposing syndrome. Last evaluated: 2024-04-01. Review status: criteria provided, single submitter. Criteria: Ambry Variant Classification Scheme 2023. Collection method: clinical testing. Allele origin: germline.
Comment: The p.E399K variant (also known as c.1195G>A), located in coding exon 8 of the MSH3 gene, results from a G to A substitution at nucleotide position 1195. The glutamic acid at codon 399 is replaced by lysine, an amino acid with similar properties. This amino acid position is well conserved in available vertebrate species. In addition, the in silico prediction for this alteration is inconclusive. Since supporting evidence is limited at this time, the clinical significance of this alteration remains unclear.

Baylor Genetics
Classification: Uncertain significance for Endometrial carcinoma. Last evaluated: 2024-03-11. Review status: criteria provided, single submitter. Criteria: ACMG Guidelines, 2015. Collection method: clinical testing. Allele origin: unknown.

Quest Diagnostics Nichols Institute San Juan Capistrano
Classification: Uncertain significance. Last evaluated: 2022-12-01. Review status: criteria provided, single submitter. Criteria: Quest Diagnostics criteria. Collection method: clinical testing. Allele origin: unknown.
Comment: The variant has not been reported in the published literature. The frequency of this variant in the general population, 0.000004 (1/251306 chromosomes), is uninformative in assessment of its pathogenicity. Analysis of this variant using bioinformatics tools for the prediction of the effect of amino acid changes on protein structure and function yielded conflicting predictions that this variant is benign or damaging. Based on the available information, we are unable to determine the clinical significance of this variant.